The following is an entry in ClinVar:

NM_198576.4(AGRN):c.4246C>T (p.Arg1416Trp)

Gene: AGRN (agrin; plus strand). Cytogenetic location: 1p36.33.
Variant type: single nucleotide variant.
Coding change: c.4246C>T on transcript NM_198576.4 (MANE Select); coding-DNA position 4246, C replaced by T.
Protein change: p.Arg1416Trp; replaces arginine 1416 with tryptophan.
Molecular consequence: missense variant.
Genome position (GRCh38, 1-based): chr1:1,049,007, C>T. VCF-style: chr1-1049007-C-T. GRCh37 (hg19) VCF-style: chr1-984387-C-T.
Other names: c.4246C>T, p.Arg1416Trp (NM_001305275.2); c.3931C>T, p.Arg1311Trp (NM_001364727.2); short protein forms R1311W, R1416W.
Identifiers: ClinVar variation 1928890 (VCV001928890.5), dbSNP rs1465773398, ClinGen allele CA337776943.
Genomic context (GRCh38, chr1:1,049,007, plus strand): 5'-CTGGCACTGGAATTCCGGGCGCTGGAGCCTCAGGGGCTGCTGCTGTACAATGGCAACGCC[C>T]GGGGCAAGGACTTCCTGGCATTGGCGCTGCTAGATGGCCGCGTGCAGCTCAGGTGGGCGG-3'
Protein context (NP_940978.2, residues 1406-1426): QGLLLYNGNA[Arg1416Trp]GKDFLALALL

ClinVar aggregate classification (germline): Uncertain significance (1 of 4 stars; one submission).

Conditions:
Congenital myasthenic syndrome 8. Also called: MYASTHENIC SYNDROME, CONGENITAL, DUE TO AGRIN DEFICIENCY; Myasthenic syndrome, congenital, 8, with pre- and postsynaptic defects. Identifiers: Orphanet 590, MedGen C3808739, MONDO:0014052, OMIM 615120.

Allele frequency attached by ClinVar (database versions not stated): gnomAD 0.00002; TOPMed 0.00002.

Submission:

Labcorp Genetics (formerly Invitae), Labcorp
Classification: Uncertain significance for Congenital myasthenic syndrome 8. Last evaluated: 2021-12-31. Review status: criteria provided, single submitter. Criteria: Invitae Variant Classification Sherloc (09022015). Collection method: clinical testing. Allele origin: germline.
Comment: This sequence change replaces arginine, which is basic and polar, with tryptophan, which is neutral and slightly polar, at codon 1416 of the AGRN protein (p.Arg1416Trp). The frequency data for this variant in the population databases is considered unreliable, as metrics indicate poor data quality at this position in the gnomAD database. This variant has not been reported in the literature in individuals affected with AGRN-related conditions. Algorithms developed to predict the effect of missense changes on protein structure and function are either unavailable or do not agree on the potential impact of this missense change (SIFT: "Deleterious"; PolyPhen-2: "Probably Damaging"; Align-GVGD: "Class C0"). In summary, the available evidence is currently insufficient to determine the role of this variant in disease. Therefore, it has been classified as a Variant of Uncertain Significance.